The following is an entry in ClinVar:

NM_003036.4(SKI):c.1325C>A (p.Ala442Asp)

Gene: SKI (SKI proto-oncogene; plus strand). Cytogenetic location: 1p36.32.
Variant type: single nucleotide variant.
Coding change: c.1325C>A on transcript NM_003036.4 (MANE Select); coding-DNA position 1325, C replaced by A.
Protein change: p.Ala442Asp; replaces alanine 442 with aspartic acid.
Molecular consequence: missense variant.
Genome position (GRCh38, 1-based): chr1:2,303,953, C>A. VCF-style: chr1-2303953-C-A. GRCh37 (hg19) VCF-style: chr1-2235392-C-A.
Other names: short protein forms A442D.
Identifiers: ClinVar variation 3223052 (VCV003223052.1), dbSNP rs780554312, ClinGen allele CA536677.

ClinVar aggregate classification (germline): Uncertain significance (1 of 4 stars; one submission).

Conditions:
Familial thoracic aortic aneurysm and aortic dissection (TAAD). Also called: Thoracic aortic aneurysms and dissections. Identifiers: Orphanet 91387, MedGen C4707243, MONDO:0019625.

gnomAD v4.1: 1 of 1,611,920 alleles (0.000062%); highest among the groups gnomAD compares: South Asian, 0.0011%; no homozygotes.

Submission:

Ambry Genetics
Classification: Uncertain significance for Familial thoracic aortic aneurysm and aortic dissection. Last evaluated: 2024-03-08. Review status: criteria provided, single submitter. Criteria: Ambry Variant Classification Scheme 2023. Collection method: clinical testing. Allele origin: germline.
Comment: The p.A442D variant (also known as c.1325C>A), located in coding exon 4 of the SKI gene, results from a C to A substitution at nucleotide position 1325. The alanine at codon 442 is replaced by aspartic acid, an amino acid with dissimilar properties. This amino acid position is conserved. In addition, the in silico prediction for this alteration is inconclusive. Based on the available evidence, the clinical significance of this alteration remains unclear.